The following is an entry in ClinVar:

ClinVar aggregate classification (germline): Uncertain significance. Review status: criteria provided, multiple submitters, no conflicts (2 of 4 stars). 3 submissions from 3 submitters: Uncertain significance (3). Last evaluated 2025-12-24.

Allele frequency attached by ClinVar (database versions not stated): ExAC 0.00006; TOPMed 0.00007; ESP Exome Variant Server 0.00008; gnomAD 0.00009; 1000 Genomes Project 0.00020; 1000 Genomes Project 30x 0.00031.

Submissions (3):

Labcorp Genetics (formerly Invitae), Labcorp
Classification: Uncertain significance. Last evaluated: 2025-12-24. Review status: criteria provided, single submitter. Criteria: Invitae Variant Classification Sherloc (09022015). Collection method: clinical testing. Allele origin: germline.
Comment: This sequence change replaces proline, which is neutral and non-polar, with leucine, which is neutral and non-polar, at codon 237 of the ZNF513 protein (p.Pro237Leu). This variant is present in population databases (rs149593174, gnomAD 0.01%). This variant has not been reported in the literature in individuals affected with ZNF513-related conditions. ClinVar contains an entry for this variant (Variation ID: 1490316). An algorithm developed to predict the effect of missense changes on protein structure and function (PolyPhen-2) suggests that this variant is likely to be disruptive. In summary, the available evidence is currently insufficient to determine the role of this variant in disease. Therefore, it has been classified as a Variant of Uncertain Significance.

Ambry Genetics
Classification: Uncertain significance. Last evaluated: 2025-04-16. Review status: criteria provided, single submitter. Criteria: Ambry Variant Classification Scheme 2023. Collection method: clinical testing. Allele origin: germline.

Blueprint Genetics
Classification: Uncertain significance. Last evaluated: 2024-08-06. Review status: criteria provided, single submitter. Criteria: ACMG Guidelines, 2015. Collection method: clinical testing. Allele origin: germline.

NM_144631.6(ZNF513):c.710C>T (p.Pro237Leu)

Gene: ZNF513 (zinc finger protein 513; minus strand). Cytogenetic location: 2p23.3.
Variant type: single nucleotide variant.
Coding change: c.710C>T on transcript NM_144631.6 (MANE Select); coding-DNA position 710, C replaced by T.
Protein change: p.Pro237Leu; replaces proline 237 with leucine.
Molecular consequence: missense variant.
Genome position (GRCh38, 1-based): chr2:27,378,556, G>A on the plus strand (C>T on the coding strand, the complement: ZNF513 is on the minus strand). VCF-style: chr2-27378556-G-A. GRCh37 (hg19) VCF-style: chr2-27601423-G-A.
Other names: c.524C>T, p.Pro175Leu (NM_001201459.2); c.710C>T (NM_144631.5); short protein forms P237L, P175L.
Identifiers: ClinVar variation 1490316 (VCV001490316.10), dbSNP rs149593174, ClinGen allele CA1577993.